The following is an entry in ClinVar:

ClinVar aggregate classification (germline): Likely benign (1 of 4 stars; one submission).

Allele frequency attached by ClinVar (database versions not stated): ExAC 0.00006; gnomAD 0.00009; TOPMed 0.00009; 1000 Genomes Project 0.00040; 1000 Genomes Project 30x 0.00047.

Submission:

CeGaT Center for Human Genetics Tuebingen
Classification: Likely benign. Last evaluated: 2024-05-01. Review status: criteria provided, single submitter. Criteria: CeGaT Center For Human Genetics Tuebingen Variant Classification Criteria Version 2. Collection method: clinical testing. Allele origin: germline. Affected: yes. Observed: 2 variant alleles.
Comment: POLR2A: BP4, BP7

NM_000937.5(POLR2A):c.435C>T (p.Tyr145=)

Gene: POLR2A (RNA polymerase II subunit A; plus strand). Cytogenetic location: 17p13.1.
Variant type: single nucleotide variant.
Coding change: c.435C>T on transcript NM_000937.5 (MANE Select); coding-DNA position 435, C replaced by T.
Protein change: p.Tyr145=; no amino-acid change (tyrosine 145 retained).
Molecular consequence: synonymous variant.
Genome position (GRCh38, 1-based): chr17:7,496,511, C>T. VCF-style: chr17-7496511-C-T. GRCh37 (hg19) VCF-style: chr17-7399830-C-T.
Identifiers: ClinVar variation 2647339 (VCV002647339.24), dbSNP rs7219725, ClinGen allele CA8349184.